The following is an entry in ClinVar:

NM_005476.7(GNE):c.260C>G (p.Ser87Ter)

Gene: GNE (glucosamine (UDP-N-acetyl)-2-epimerase/N-acetylmannosamine kinase; minus strand). Cytogenetic location: 9p13.3.
Variant type: single nucleotide variant.
Coding change: c.260C>G on transcript NM_005476.7 (MANE Select); coding-DNA position 260, C replaced by G.
Protein change: p.Ser87Ter; replaces serine 87 with a stop codon.
Molecular consequence: nonsense.
Genome position (GRCh38, 1-based): chr9:36,246,387, G>C on the plus strand (C>G on the coding strand, the complement: GNE is on the minus strand). VCF-style: chr9-36246387-G-C. GRCh37 (hg19) VCF-style: chr9-36246384-G-C.
Other names: c.353C>G, p.Ser118Ter (NM_001128227.3); c.260C>G, p.Ser87Ter (NM_001190383.3, NM_001374797.1); c.83C>G, p.Ser28Ter (NM_001190384.3, NM_001190388.2, NM_001374798.1); short protein forms S118*, S28*, S87*.
Identifiers: ClinVar variation 4814611 (VCV004814611.1).

ClinVar aggregate classification (germline): Likely pathogenic (1 of 4 stars; one submission).

Conditions:
GNE myopathy (NM). Also called: MYOPATHY, DISTAL, WITH OR WITHOUT RIMMED VACUOLES; IBM 2; Inclusion body myopathy autosomal recessive; Inclusion body myopathy quadriceps sparing; NONAKA DISTAL MYOPATHY; INCLUSION BODY MYOPATHY, HEREDITARY, AUTOSOMAL RECESSIVE. Identifiers: Orphanet 602, MedGen C1853926, MONDO:0011603, OMIM 605820.

gnomAD v4.1: 2 of 1,613,796 alleles (0.00012%); highest among the groups gnomAD compares: Non-Finnish European, 0.00017%; no homozygotes.

Submission:

Natera, Inc.
Classification: Likely pathogenic for Nonaka myopathy. Last evaluated: 2024-12-17. Review status: criteria provided, single submitter. Criteria: Natera Variant Classification Schema (03/2026). Collection method: clinical testing. Allele origin: germline.
Comment: The c.353C>G variant in GNE is a nonsense variant predicted to introduce a stop codon at amino acid 118. This variant is expected to result in nonsense mediated decay, truncation, or a dysfunctional protein product. This variant is rare in the general population with a frequency below the threshold expected for the associated phenotype(s). Given the available evidence, this variant is classified as Likely Pathogenic.